The following is an entry in ClinVar:

ClinVar aggregate classification (germline): Uncertain significance (1 of 4 stars; one submission).

Allele frequency attached by ClinVar (database versions not stated): gnomAD exomes below 0.00001; TOPMed below 0.00001; ExAC 0.00001; gnomAD 0.00001; ESP Exome Variant Server 0.00008.

Submission:

Labcorp Genetics (formerly Invitae), Labcorp
Classification: Uncertain significance. Last evaluated: 2025-04-17. Review status: criteria provided, single submitter. Criteria: Invitae Variant Classification Sherloc (09022015). Collection method: clinical testing. Allele origin: germline.
Comment: This sequence change replaces histidine, which is basic and polar, with aspartic acid, which is acidic and polar, at codon 202 of the PDE6A protein (p.His202Asp). This variant is present in population databases (rs374696142, gnomAD 0.0009%). This variant has not been reported in the literature in individuals affected with PDE6A-related conditions. ClinVar contains an entry for this variant (Variation ID: 1500218). Invitae Evidence Modeling of protein sequence and biophysical properties (such as structural, functional, and spatial information, amino acid conservation, physicochemical variation, residue mobility, and thermodynamic stability) indicates that this missense variant is not expected to disrupt PDE6A protein function with a negative predictive value of 95%. In summary, the available evidence is currently insufficient to determine the role of this variant in disease. Therefore, it has been classified as a Variant of Uncertain Significance.

NM_000440.3(PDE6A):c.604C>G (p.His202Asp)

Gene: PDE6A (phosphodiesterase 6A; minus strand). Cytogenetic location: 5q32.
Variant type: single nucleotide variant.
Coding change: c.604C>G on transcript NM_000440.3 (MANE Select); coding-DNA position 604, C replaced by G.
Protein change: p.His202Asp; replaces histidine 202 with aspartic acid.
Molecular consequence: missense variant.
Genome position (GRCh38, 1-based): chr5:149,934,589, G>C on the plus strand (C>G on the coding strand, the complement: PDE6A is on the minus strand). VCF-style: chr5-149934589-G-C. GRCh37 (hg19) VCF-style: chr5-149314152-G-C.
Other names: short protein forms H202D.
Identifiers: ClinVar variation 1500218 (VCV001500218.6), dbSNP rs374696142, ClinGen allele CA3505014.